The following is an entry in ClinVar:

NM_052867.4(NALCN):c.4579G>C (p.Asp1527His)

Gene: NALCN (sodium leak channel, non-selective; minus strand). Cytogenetic location: 13q32.3.
Variant type: single nucleotide variant.
Coding change: c.4579G>C on transcript NM_052867.4 (MANE Select); coding-DNA position 4579, G replaced by C.
Protein change: p.Asp1527His; replaces aspartic acid 1527 with histidine.
Molecular consequence: missense variant.
Genome position (GRCh38, 1-based): chr13:101,065,429, C>G on the plus strand (G>C on the coding strand, the complement: NALCN is on the minus strand). VCF-style: chr13-101065429-C-G. GRCh37 (hg19) VCF-style: chr13-101717781-C-G.
Other names: c.4666G>C, p.Asp1556His (NM_001350748.2); c.4579G>C, p.Asp1527His (NM_001350749.2); c.4492G>C, p.Asp1498His (NM_001350750.2, NM_001350751.2); short protein forms D1498H, D1527H, D1556H.
Identifiers: ClinVar variation 5020310 (VCV005020310.1).

ClinVar aggregate classification (germline): Uncertain significance (1 of 4 stars; one submission).

Submission:

Dasa
Classification: Uncertain significance. Last evaluated: 2026-06-24. Review status: criteria provided, single submitter. Criteria: DASA Assertion Criteria. Collection method: clinical testing. Allele origin: germline.
Comment: NM_052867.4(NALCN):c.4579G>C (p.Asp1527His) is a missense variant that results in the substitution of aspartic acid with histidine. This variant is rare in population databases. Computational prediction algorithms are consistent with a deleterious effect. The currently available literature and clinical evidence are not sufficient to establish a definitive association between this variant and the reported condition. Therefore, this variant is classified as a variant of uncertain significance.